The following is an entry in ClinVar:

ClinVar aggregate classification (germline): Conflicting classifications of pathogenicity. Review status: criteria provided, conflicting classifications (1 of 4 stars). 3 submissions from 3 submitters: Uncertain significance (2); Likely benign (1). Last evaluated 2025-06-11.

Conditions:
Cardiovascular phenotype. Identifiers: MedGen CN230736.
Distal myopathy with posterior leg and anterior hand involvement. Also called: WILLIAMS DISTAL MYOPATHY. Identifiers: Orphanet 63273, MedGen C3279722, MONDO:0013550, OMIM 614065.
Myofibrillar myopathy 5. Also called: Filaminopathy (type); FILAMINOPATHY, AUTOSOMAL DOMINANT. Identifiers: Orphanet 171445, MedGen C1836050, MONDO:0012289, OMIM 609524.
Hypertrophic cardiomyopathy 26. Also called: Cardiomyopathy, familial hypertrophic, 26. Identifiers: Orphanet 75249, MedGen C4310749, MONDO:0014883, OMIM 617047.

Allele frequency attached by ClinVar (database versions not stated): gnomAD 0.00002; gnomAD exomes 0.00002 and 0.00003; ExAC 0.00003; TOPMed 0.00005.
gnomAD v4.1: 30 of 1,613,232 alleles (0.0019%); highest among the groups gnomAD compares: African/African-American, 0.0053%; no homozygotes.

Submissions (3):

Labcorp Genetics (formerly Invitae), Labcorp
Classification: Likely benign for Distal myopathy with posterior leg and anterior hand involvement; Myofibrillar myopathy 5; Hypertrophic cardiomyopathy 26. Last evaluated: 2025-06-11. Review status: criteria provided, single submitter. Criteria: Invitae Variant Classification Sherloc (09022015). Collection method: clinical testing. Allele origin: germline.

Ambry Genetics
Classification: Uncertain significance for Cardiovascular phenotype. Last evaluated: 2022-12-27. Review status: criteria provided, single submitter. Criteria: Ambry Variant Classification Scheme 2023. Collection method: clinical testing. Allele origin: germline.
Comment: The p.A1569T variant (also known as c.4705G>A), located in coding exon 27 of the FLNC gene, results from a G to A substitution at nucleotide position 4705. The alanine at codon 1569 is replaced by threonine, an amino acid with similar properties. This variant co-occurred with variants in other genes in a case from a limb-girdle muscular dystrophy cohort (Fichna JP et al. Hum Genomics, 2018 Jul;12:34). This amino acid position is highly conserved in available vertebrate species. In addition, the in silico prediction for this alteration is inconclusive. Since supporting evidence is limited at this time, the clinical significance of this alteration remains unclear.

Fulgent Genetics
Classification: Uncertain significance for Myofibrillar myopathy 5; Distal myopathy with posterior leg and anterior hand involvement; Hypertrophic cardiomyopathy 26. Last evaluated: 2021-09-29. Review status: criteria provided, single submitter. Criteria: ACMG Guidelines, 2015. Collection method: clinical testing. Allele origin: unknown.

Literature cited by the submitters: PubMed 29970176 (cited by Ambry Genetics).

NM_001458.5(FLNC):c.4705G>A (p.Ala1569Thr)

Gene: FLNC (filamin C; plus strand). Cytogenetic location: 7q32.1.
Variant type: single nucleotide variant.
Coding change: c.4705G>A on transcript NM_001458.5 (MANE Select); coding-DNA position 4705, G replaced by A.
Protein change: p.Ala1569Thr; replaces alanine 1569 with threonine.
Molecular consequence: missense variant.
Genome position (GRCh38, 1-based): chr7:128,848,685, G>A. VCF-style: chr7-128848685-G-A. GRCh37 (hg19) VCF-style: chr7-128488739-G-A.
Other names: c.4705G>A, p.Ala1569Thr (NM_001127487.2); short protein forms A1569T.
Identifiers: ClinVar variation 472076 (VCV000472076.14), dbSNP rs768737324, ClinGen allele CA4475425.